The following is an entry in ClinVar:

NM_024334.3(TMEM43):c.1139C>G (p.Ala380Gly)

Gene: TMEM43 (transmembrane protein 43; plus strand). Cytogenetic location: 3p25.1.
Variant type: single nucleotide variant.
Coding change: c.1139C>G on transcript NM_024334.3 (MANE Select); coding-DNA position 1139, C replaced by G.
Protein change: p.Ala380Gly; replaces alanine 380 with glycine.
Molecular consequence: missense variant.
Genome position (GRCh38, 1-based): chr3:14,141,731, C>G. VCF-style: chr3-14141731-C-G. GRCh37 (hg19) VCF-style: chr3-14183231-C-G.
Other names: c.1142C>G, p.Ala381Gly (NM_001407274.1); c.1136C>G, p.Ala379Gly (NM_001407275.1, NM_001407276.1); c.1133C>G, p.Ala378Gly (NM_001407277.1); c.1124C>G, p.Ala375Gly (NM_001407278.1); c.1064C>G, p.Ala355Gly (NM_001407279.1); c.989C>G, p.Ala330Gly (NM_001407280.1); short protein forms A355G, A380G, A381G, A330G, A375G, A378G, A379G.
Identifiers: ClinVar variation 2070665 (VCV002070665.6), dbSNP rs1170586226, ClinGen allele CA351536610.

ClinVar aggregate classification (germline): Uncertain significance. Review status: criteria provided, multiple submitters, no conflicts (2 of 4 stars). 2 submissions from 2 submitters: Uncertain significance (2). Last evaluated 2023-09-05.

Conditions:
Cardiomyopathy (CMYO). Also called: Cardiomyopathies. Identifiers: Orphanet 167848, MedGen C0878544, MONDO:0004994, HP:0001638. Inheritance: Various modes of inheritance.
Arrhythmogenic right ventricular dysplasia 5. Also called: ARRHYTHMOGENIC RIGHT VENTRICULAR DYSPLASIA, FAMILIAL, 5; Arrhythmogenic Right Ventricular Dysplasia/Cardiomyopathy 5. Identifiers: MedGen C1858379, MONDO:0011459, OMIM 604400.

Submissions (2):

Color Diagnostics, LLC DBA Color Health
Classification: Uncertain significance for Cardiomyopathy. Last evaluated: 2023-09-05. Review status: criteria provided, single submitter. Criteria: ACMG Guidelines, 2015. Collection method: clinical testing. Allele origin: germline.
Comment: This missense variant replaces alanine with glycine at codon 380 of the TMEM43 protein. Computational prediction suggests that this variant may not impact protein structure and function (internally defined REVEL score threshold <= 0.5, PMID: 27666373). To our knowledge, functional studies have not been reported for this variant. This variant has not been reported in individuals affected with TMEM43-related disorders in the literature. This variant has not been identified in the general population by the Genome Aggregation Database (gnomAD). The available evidence is insufficient to determine the role of this variant in disease conclusively. Therefore, this variant is classified as a Variant of Uncertain Significance.

Labcorp Genetics (formerly Invitae), Labcorp
Classification: Uncertain significance for Arrhythmogenic right ventricular dysplasia 5. Last evaluated: 2022-08-22. Review status: criteria provided, single submitter. Criteria: Invitae Variant Classification Sherloc (09022015). Collection method: clinical testing. Allele origin: germline.
Comment: Algorithms developed to predict the effect of missense changes on protein structure and function output the following: SIFT: "Tolerated"; PolyPhen-2: "Benign"; Align-GVGD: "Class C0". The glycine amino acid residue is found in multiple mammalian species, which suggests that this missense change does not adversely affect protein function. In summary, the available evidence is currently insufficient to determine the role of this variant in disease. Therefore, it has been classified as a Variant of Uncertain Significance. This variant has not been reported in the literature in individuals affected with TMEM43-related conditions. This sequence change replaces alanine, which is neutral and non-polar, with glycine, which is neutral and non-polar, at codon 380 of the TMEM43 protein (p.Ala380Gly). This variant is not present in population databases (gnomAD no frequency).